The following is an entry in ClinVar:

NM_000285.4(PEPD):c.671+2T>G

Gene: PEPD (peptidase D; minus strand). Cytogenetic location: 19q13.11.
Variant type: single nucleotide variant.
Coding change: c.671+2T>G on transcript NM_000285.4 (MANE Select); the canonical splice donor site of the intron after coding-DNA position 671, T replaced by G.
Molecular consequence: splice donor variant. On other transcripts: intron variant (1).
Genome position (GRCh38, 1-based): chr19:33,462,993, A>C on the plus strand (T>G on the coding strand, the complement: PEPD is on the minus strand). VCF-style: chr19-33462993-A-C. GRCh37 (hg19) VCF-style: chr19-33953899-A-C.
Other names: c.479+2T>G (NM_001166057.2); c.548+15053T>G (NM_001166056.2).
Identifiers: ClinVar variation 2112424 (VCV002112424.4), dbSNP rs1969956193, ClinGen allele CA405230545.
Genomic context (GRCh38, chr19:33,462,993, plus strand): 5'-CAGGGAACATAAATTACTGTTTTTTACCTTTTAATTTTACCCGGAGAAACATGGTGGCTT[A>C]CCTTTCCAACTCATATTCTTTCATTCCCACTTTTACAGCCTTCATTACCTGGAGGACGGA-3'

ClinVar aggregate classification (germline): Likely pathogenic (1 of 4 stars; one submission).

Allele frequency attached by ClinVar (database versions not stated): TOPMed below 0.00001.

Submission:

Labcorp Genetics (formerly Invitae), Labcorp
Classification: Likely pathogenic. Last evaluated: 2024-03-11. Review status: criteria provided, single submitter. Criteria: Invitae Variant Classification Sherloc (09022015). Collection method: clinical testing. Allele origin: germline.
Comment: This sequence change affects a donor splice site in intron 9 of the PEPD gene. It is expected to disrupt RNA splicing. Variants that disrupt the donor or acceptor splice site typically lead to a loss of protein function (PMID: 16199547), and loss-of-function variants in PEPD are known to be pathogenic (PMID: 8198124, 10721675, 12384772, 17142620). This variant is not present in population databases (gnomAD no frequency). This variant has not been reported in the literature in individuals affected with PEPD-related conditions. ClinVar contains an entry for this variant (Variation ID: 2112424). Algorithms developed to predict the effect of sequence changes on RNA splicing suggest that this variant may disrupt the consensus splice site. In summary, the currently available evidence indicates that the variant is pathogenic, but additional data are needed to prove that conclusively. Therefore, this variant has been classified as Likely Pathogenic.

Literature cited by the submitters: PubMed 16199547; PubMed 8198124; PubMed 10721675; PubMed 12384772; PubMed 17142620.